The following is an entry in ClinVar:

NM_145262.4(GLYCTK):c.384G>C (p.Met128Ile)

Gene: GLYCTK (glycerate kinase; plus strand). Cytogenetic location: 3p21.2.
Variant type: single nucleotide variant.
Coding change: c.384G>C on transcript NM_145262.4 (MANE Select); coding-DNA position 384, G replaced by C.
Protein change: p.Met128Ile; replaces methionine 128 with isoleucine.
Molecular consequence: missense variant. On other transcripts: non-coding transcript variant (4).
Genome position (GRCh38, 1-based): chr3:52,290,966, G>C. VCF-style: chr3-52290966-G-C. GRCh37 (hg19) VCF-style: chr3-52324982-G-C.
Other names: c.384G>C, p.Met128Ile (NM_001144951.2); short protein forms M128I.
Identifiers: ClinVar variation 788485 (VCV000788485.13), dbSNP rs150662353, ClinGen allele CA2432063.

ClinVar aggregate classification (germline): Conflicting classifications of pathogenicity. Review status: criteria provided, conflicting classifications (1 of 4 stars). 3 submissions from 3 submitters: Uncertain significance (1); Likely benign (1). 1 of the submissions does not count toward it. Last evaluated 2025-10-21.

Conditions:
GLYCTK-related disorder. Also called: GLYCTK-related condition.
D-Glyceric aciduria. Also called: Deficiency of glycerate kinase; GLYCERATE KINASE DEFICIENCY. Identifiers: Orphanet 941, MedGen C0342765, MONDO:0009070, OMIM 220120.

Allele frequency attached by ClinVar (database versions not stated): 1000 Genomes Project 0.00040; 1000 Genomes Project 30x 0.00047; ESP Exome Variant Server 0.00062; gnomAD exomes 0.00068 and 0.00091; ExAC 0.00077; gnomAD 0.00088 and 0.00090; TOPMed 0.00091.

Submissions (3):

Labcorp Genetics (formerly Invitae), Labcorp
Classification: Likely benign. Last evaluated: 2025-10-21. Review status: criteria provided, single submitter. Criteria: Invitae Variant Classification Sherloc (09022015). Collection method: clinical testing. Allele origin: germline.

Baylor Genetics
Classification: Uncertain significance for D-Glyceric aciduria. Last evaluated: 2018-07-06. Review status: criteria provided, single submitter. Criteria: ACMG Guidelines, 2015. Collection method: clinical testing. Allele origin: maternal. Affected: yes.
Comment: This variant was determined to be of uncertain significance according to ACMG Guidelines, 2015 [PMID:25741868].

PreventionGenetics, part of Exact Sciences
Classification: Likely benign for GLYCTK-related condition. Last evaluated: 2022-09-07. Review status: no assertion criteria provided. Collection method: clinical testing. Allele origin: germline. Not counted in ClinVar's aggregate classification.
Comment: This variant is classified as likely benign based on ACMG/AMP sequence variant interpretation guidelines (Richards et al. 2015 PMID: 25741868, with internal and published modifications).